The following is an entry in ClinVar:

NM_007294.4(BRCA1):c.188T>C (p.Leu63Ser)

Gene: BRCA1 (BRCA1 DNA repair associated; minus strand). Cytogenetic location: 17q21.31.
Variant type: single nucleotide variant.
Coding change: c.188T>C on transcript NM_007294.4 (MANE Select); coding-DNA position 188, T replaced by C.
Protein change: p.Leu63Ser; replaces leucine 63 with serine.
Molecular consequence: missense variant. On other transcripts: intron variant (34), 5 prime UTR variant (61).
Genome position (GRCh38, 1-based): chr17:43,106,480, A>G on the plus strand (T>C on the coding strand, the complement: BRCA1 is on the minus strand). VCF-style: chr17-43106480-A-G. GRCh37 (hg19) VCF-style: chr17-41258497-A-G.
Other names: c.135-1524T>C (NM_001408474.1, NM_001407862.1, NM_001408409.1 and 21 more transcripts); c.-169-1524T>C (NM_001407965.1, NM_001407959.1, NM_001407962.1 and 4 more transcripts); c.-1T>C (NM_001407571.1, NM_001407853.1, NM_001407879.1 and 58 more transcripts); c.188T>C, p.Leu63Ser (NM_001407581.1, NM_001407582.1, NM_001407583.1 and 168 more transcripts); c.47T>C, p.Leu16Ser (NM_001407692.1, NM_001407694.1, NM_001407695.1 and 99 more transcripts); c.-218-11620T>C (NM_001407967.1, NM_001407966.1); c.81-1524T>C (NM_001408451.1); short protein forms L63S, L16S.
Identifiers: ClinVar variation 54382 (VCV000054382.4), dbSNP rs80357086, ClinGen allele CA001228.

ClinVar aggregate classification (germline): not provided (0 of 4 stars; one submission).

Conditions:
Familial cancer of breast. Also called: Hereditary breast cancer; hereditary breast carcinoma; BREAST CANCER, FAMILIAL. Identifiers: Orphanet 227535, MedGen C0346153, MONDO:0016419, OMIM 114480. Disease mechanism: loss of function.

Submissions (2):

Brotman Baty Institute, University of Washington
No classification provided (evidence only). Condition: Breast-ovarian cancer, familial 1. Review status: no classification provided. Collection method: in vitro. Allele origin: not applicable. Functional consequence: functionally_normal. Not counted in ClinVar's aggregate classification.
ClinVar note: "not provided" was previously submitted as the classification for the variant. However, the classification appeared to be based only on an observation of functional data so it was converted to no classification on 2025-07-30.

ClinVar Staff, National Center for Biotechnology Information (NCBI)
No classification provided. Condition: Familial cancer of breast. Review status: no classification provided. Collection method: literature only. Allele origin: germline. Affected: yes.

Literature cited by the submitters: PubMed 9440731 (cited by ClinVar Staff, National Center for Biotechnology Information (NCBI)).